The following is an entry in ClinVar:

ClinVar aggregate classification (germline): Conflicting classifications of pathogenicity. Review status: criteria provided, conflicting classifications (1 of 4 stars). 9 submissions from 9 submitters: Pathogenic (6); Likely pathogenic (2); Uncertain significance (1). Last evaluated 2026-03-19.

Conditions:
Congenital myasthenic syndrome (CMS). Also called: Congenital Myasthenic Syndromes. Identifiers: Orphanet 590, MedGen C0751882, MeSH D020294, MONDO:0018940.
Familial infantile myasthenia (CMS6). Also called: MYASTHENIC SYNDROME, PRESYNAPTIC, CONGENITAL, ASSOCIATED WITH EPISODIC APNEA; MYASTHENIC SYNDROME, CONGENITAL, 6, PRESYNAPTIC; Congenital myasthenic syndrome type 6. Identifiers: Orphanet 590, MedGen C0393929, MONDO:0009689, OMIM 254210.

Allele frequency attached by ClinVar (database versions not stated): gnomAD 0.00011 and 0.00010; ESP Exome Variant Server 0.00015; ExAC 0.00004; gnomAD exomes 0.00007 and 0.00004; TOPMed 0.00007.
gnomAD v4.1: 129 of 1,612,480 alleles (0.008%); highest among the groups gnomAD compares: Non-Finnish European, 0.0092%; no homozygotes.

Submissions (9):

Dasa
Classification: Pathogenic. Last evaluated: 2026-03-19. Review status: criteria provided, single submitter. Criteria: DASA Assertion Criteria. Collection method: clinical testing. Allele origin: germline.
Comment: NM_020549.5(CHAT):c.406G>A (p.Val136Met) is a missense variant that results in the substitution of valine with methionine. This variant has been observed in affected individuals with related phenotype in a genotype context consistent with recessive disease (PMID: 21786365; PMID: 26080897; PMID: 28497657; PMID: 39086444). Functional evidence supports a deleterious effect on the gene or gene product (PMID: 21786365; PMID: 26080897; PMID: 28497657; PMID: 39086444). This variant has been recurrently observed in individuals with related phenotype (PMID: 21786365; PMID: 26080897; PMID: 28497657; PMID: 39086444). Multiple computational predictions support a deleterious effect on the gene or gene product. The variant is present at low frequency in population datasets. Based on the available data, this variant is classified as pathogenic.

Labcorp Genetics (formerly Invitae), Labcorp
Classification: Pathogenic for Familial infantile myasthenia. Last evaluated: 2025-10-31. Review status: criteria provided, single submitter. Criteria: Invitae Variant Classification Sherloc (09022015). Collection method: clinical testing. Allele origin: germline.
Comment: This sequence change replaces valine, which is neutral and non-polar, with methionine, which is neutral and non-polar, at codon 136 of the CHAT protein (p.Val136Met). This variant is present in population databases (rs201479289, gnomAD 0.02%). This missense change has been observed in individual(s) with congenital myasthenic syndrome (PMID: 21786365, 26080897, 28497657; internal data). In at least one individual the data is consistent with being in trans (on the opposite chromosome) from a pathogenic variant. ClinVar contains an entry for this variant (Variation ID: 279754). Invitae Evidence Modeling of protein sequence and biophysical properties (such as structural, functional, and spatial information, amino acid conservation, physicochemical variation, residue mobility, and thermodynamic stability) has been performed for this missense variant. However, the output from this modeling did not meet the statistical confidence thresholds required to predict the impact of this variant on CHAT protein function. Experimental studies have shown that this missense change affects CHAT function (PMID: 21786365, 26080897). For these reasons, this variant has been classified as Pathogenic.

GeneDx
Classification: Pathogenic. Last evaluated: 2025-08-21. Review status: criteria provided, single submitter. Criteria: GeneDx Variant Classification Process June 2021. Collection method: clinical testing. Allele origin: germline. Affected: yes.
Comment: Published functional studies demonstrate decreased protein expression, as well as reduced catalytic efficiency of the enzyme (PMID: 21786365, 26080897); In silico analysis suggests that this missense variant does not alter protein structure/function; This variant is associated with the following publications: (PMID: 28497657, 29783273, 31192527, 31980526, 21786365, 26080897, 29759072, 30609409, 34426522, 34557490, 30458023)

Fulgent Genetics
Classification: Pathogenic for Familial infantile myasthenia. Last evaluated: 2024-06-05. Review status: criteria provided, single submitter. Criteria: ACMG Guidelines, 2015. Collection method: clinical testing. Allele origin: germline.

Baylor Genetics
Classification: Pathogenic for Familial infantile myasthenia. Last evaluated: 2024-03-20. Review status: criteria provided, single submitter. Criteria: ACMG Guidelines, 2015. Collection method: clinical testing. Allele origin: unknown.

Revvity Omics, Revvity
Classification: Likely pathogenic for Familial infantile myasthenia. Last evaluated: 2023-07-19. Review status: criteria provided, single submitter. Criteria: ACMG Guidelines, 2015. Collection method: clinical testing. Allele origin: germline.

Women's Health and Genetics/Laboratory Corporation of America, LabCorp
Classification: Pathogenic for Congenital myasthenic syndrome. Last evaluated: 2023-01-24. Review status: criteria provided, single submitter. Criteria: LabCorp Variant Classification Summary - May 2015. Collection method: clinical testing. Allele origin: germline.
Comment: Variant summary: CHAT c.406G>A (p.Val136Met) results in a conservative amino acid change located in the Choline/carnitine acyltransferase domain (IPR039551) of the encoded protein sequence. Three of four in-silico tools predict a damaging effect of the variant on protein function. The variant allele was found at a frequency of 4e-05 in 250372 control chromosomes (gnomAD and publication data). This frequency is not significantly higher than expected for a pathogenic variant in CHAT causing Congenital Myasthenic Syndrome (4e-05 vs 0.00079), allowing no conclusion about variant significance. c.406G>A has been reported in the literature in multiple individuals affected with Congenital Myasthenic Syndrome, including at least one homozygote (Shen_2011, Abicht_2012, Arredondo_2015). These data indicate that the variant is very likely to be associated with disease. Functional studies report this variant results in reducing protein expression level and catalytic efficiency of the enzyme (Shen_2011, Arredondo_2015). Five ClinVar submitters (evaluation after 2014) cite this variant as pathogenic (n=2), likely pathogenic (n=2) and uncertain significance (n=1). Based on the evidence outlined above, the variant was classified as pathogenic.

Laboratory for Molecular Medicine, Mass General Brigham Personalized Medicine
Classification: Likely pathogenic for Congenital myasthenic syndrome. Last evaluated: 2016-05-10. Review status: criteria provided, single submitter. Criteria: LMM Criteria. Collection method: clinical testing. Allele origin: germline. Inheritance: Autosomal recessive inheritance. Observed: 1 variant allele.
Comment: The p.Val54Met variant in CHAT has been reported in four patients with congenita l myasthenic syndrome with episodic apnea (three compound heterozygotes and one homozygote) (Shen 2011, Arredondo 2015). This variant has also been identified i n 5/118276 of chromosomes by the Exome Aggregation Consortium (ExAC .; dbSNP rs201479289). Although this variant has been seen in the general population, its frequency is low enough to be consistent with a rece ssive carrier frequency. In vitro functional studies provide some evidence that the p.Val54Met variant may impact protein function (Shen 2011, Arredondo 2015). However, these types of assays may not accurately represent biological function. In summary, although additional studies are required to fully establish its cli nical significance, the p.Val54Met variant is likely pathogenic.

Eurofins Ntd Llc (ga)
Classification: Uncertain significance. Last evaluated: 2015-12-21. Review status: criteria provided, single submitter. Criteria: EGL Classification Definitions 2015. Collection method: clinical testing. Allele origin: germline. Observed: 1 variant allele, 1 heterozygote.

Literature cited by the submitters: PubMed 21786365 (cited by 4 submitters); PubMed 26080897 (cited by 4 submitters); PubMed 28497657 (cited by Dasa and Labcorp Genetics (formerly Invitae), Labcorp); PubMed 39086444 (cited by Dasa); PubMed 22678886 (cited by Women's Health and Genetics/Laboratory Corporation of America, LabCorp).

NM_020549.5(CHAT):c.406G>A (p.Val136Met)

Gene: CHAT (choline O-acetyltransferase; plus strand). Cytogenetic location: 10q11.23.
Variant type: single nucleotide variant.
Coding change: c.406G>A on transcript NM_020549.5 (MANE Select); coding-DNA position 406, G replaced by A.
Protein change: p.Val136Met; replaces valine 136 with methionine.
Molecular consequence: missense variant.
Genome position (GRCh38, 1-based): chr10:49,619,743, G>A. VCF-style: chr10-49619743-G-A. GRCh37 (hg19) VCF-style: chr10-50827789-G-A.
Other names: c.52G>A, p.Val18Met (NM_001142929.2, NM_001142934.2, NM_020984.4 and 2 more transcripts); c.160G>A, p.Val54Met (NM_001142933.2); short protein forms V136M, V18M, V54M.
Identifiers: ClinVar variation 279754 (VCV000279754.32), dbSNP rs201479289, ClinGen allele CA5497135.